The following is an entry in ClinVar:

NM_025114.4(CEP290):c.6919_6920dup (p.Gln2308fs)

Gene: CEP290 (centrosomal protein 290; minus strand). Cytogenetic location: 12q21.32.
Variant type: Microsatellite.
Coding change: c.6919_6920dup on transcript NM_025114.4 (MANE Select); coding-DNA positions 6919 to 6920, 2 bases duplicated (GA; older notation c.6919_6920dupGA).
Protein change: p.Gln2308fs; shifts the reading frame from glutamine 2308.
Molecular consequence: frameshift variant.
Genome position (GRCh38, 1-based): chr12:88,055,616-88,055,617, TC duplicated on the plus strand (GA on the coding strand, the reverse complement: CEP290 is on the minus strand); duplicating any 2 consecutive bases within chr12:88,055,616-88,055,624 gives the same sequence; the c. name uses the placement nearest the transcript's 3' end. VCF-style (leftmost placement, unchanged base first): chr12-88055615-T-TTC. GRCh37 (hg19) VCF-style: chr12-88449392-T-TTC.
Other names: short protein forms Q2308fs.
Identifiers: ClinVar variation 1324057 (VCV001324057.10), dbSNP rs1177923180, ClinGen allele CA2580616848.

ClinVar aggregate classification (germline): Pathogenic/Likely pathogenic. Review status: criteria provided, multiple submitters, no conflicts (2 of 4 stars). 2 submissions from 2 submitters: Pathogenic (1); Likely pathogenic (1). Last evaluated 2021-07-25.

Conditions:
Joubert syndrome. Also called: CEREBELLOPARENCHYMAL DISORDER IV; JOUBERT-BOLTSHAUSER SYNDROME; Familial aplasia of the vermis. Identifiers: Orphanet 475, MedGen C5979921, MONDO:0018772.
Nephronophthisis. Also called: Juvenile Nephronophthisis. Identifiers: Orphanet 655, MedGen C0687120, MONDO:0019005, HP:0000090.
Meckel-Gruber syndrome. Also called: DYSENCEPHALIA SPLANCHNOCYSTICA; GRUBER SYNDROME; Dysencephalia splachnocystica. Identifiers: Orphanet 564, MedGen C0265215, MONDO:0018921.

Submissions (2):

Labcorp Genetics (formerly Invitae), Labcorp
Classification: Pathogenic for Joubert syndrome; Meckel-Gruber syndrome; Nephronophthisis. Last evaluated: 2021-07-25. Review status: criteria provided, single submitter. Criteria: Invitae Variant Classification Sherloc (09022015). Collection method: clinical testing. Allele origin: germline.
Comment: This variant is not present in population databases (ExAC no frequency). For these reasons, this variant has been classified as Pathogenic. This variant has not been reported in the literature in individuals affected with CEP290-related conditions. This sequence change creates a premature translational stop signal (p.Gln2308Asnfs*40) in the CEP290 gene. It is expected to result in an absent or disrupted protein product. Loss-of-function variants in CEP290 are known to be pathogenic (PMID: 16909394, 17345604, 20690115).

Revvity Omics, Revvity
Classification: Likely pathogenic. Last evaluated: 2021-05-28. Review status: criteria provided, single submitter. Criteria: ACMG Guidelines, 2015. Collection method: clinical testing. Allele origin: germline.

Literature cited by the submitters: PubMed 16909394 (cited by Labcorp Genetics (formerly Invitae), Labcorp); PubMed 17345604 (cited by Labcorp Genetics (formerly Invitae), Labcorp); PubMed 20690115 (cited by Labcorp Genetics (formerly Invitae), Labcorp).